The following is an entry in ClinVar:

NM_006947.4(SRP72):c.1370A>G (p.Lys457Arg)

Gene: SRP72 (signal recognition particle 72; plus strand). Cytogenetic location: 4q12.
Variant type: single nucleotide variant.
Coding change: c.1370A>G on transcript NM_006947.4 (MANE Select); coding-DNA position 1370, A replaced by G.
Protein change: p.Lys457Arg; replaces lysine 457 with arginine.
Molecular consequence: missense variant. On other transcripts: non-coding transcript variant (1).
Genome position (GRCh38, 1-based): chr4:56,490,382, A>G. VCF-style: chr4-56490382-A-G. GRCh37 (hg19) VCF-style: chr4-57356548-A-G.
Other names: c.1187A>G, p.Lys396Arg (NM_001267722.2); c.1370A>G (NM_006947.3); short protein forms K396R, K457R.
Identifiers: ClinVar variation 2079774 (VCV002079774.5), dbSNP rs1226265544, ClinGen allele CA357001576.

ClinVar aggregate classification (germline): Uncertain significance. Review status: criteria provided, multiple submitters, no conflicts (2 of 4 stars). 2 submissions from 2 submitters: Uncertain significance (2). Last evaluated 2025-02-28.

Allele frequency attached by ClinVar (database versions not stated): gnomAD exomes below 0.00001; gnomAD 0.00001.
gnomAD v4.1: 4 of 1,613,954 alleles (0.00025%); highest among the groups gnomAD compares: Admixed American, 0.0017%; no homozygotes.

Submissions (2):

Ambry Genetics
Classification: Uncertain significance. Last evaluated: 2025-02-28. Review status: criteria provided, single submitter. Criteria: Ambry Variant Classification Scheme 2023. Collection method: clinical testing. Allele origin: germline.
Comment: The p.K457R variant (also known as c.1370A>G), located in coding exon 14 of the SRP72 gene, results from an A to G substitution at nucleotide position 1370. The lysine at codon 457 is replaced by arginine, an amino acid with highly similar properties. This amino acid position is conserved. In addition, the in silico prediction for this alteration is inconclusive. Based on the available evidence, the clinical significance of this variant remains unclear.

Labcorp Genetics (formerly Invitae), Labcorp
Classification: Uncertain significance. Last evaluated: 2023-12-07. Review status: criteria provided, single submitter. Criteria: Invitae Variant Classification Sherloc (09022015). Collection method: clinical testing. Allele origin: germline.
Comment: This sequence change replaces lysine, which is basic and polar, with arginine, which is basic and polar, at codon 457 of the SRP72 protein (p.Lys457Arg). This variant is present in population databases (no rsID available, gnomAD no frequency). This variant has not been reported in the literature in individuals affected with SRP72-related conditions. ClinVar contains an entry for this variant (Variation ID: 2079774). Advanced modeling of protein sequence and biophysical properties (such as structural, functional, and spatial information, amino acid conservation, physicochemical variation, residue mobility, and thermodynamic stability) performed at Invitae indicates that this missense variant is not expected to disrupt SRP72 protein function with a negative predictive value of 80%. In summary, the available evidence is currently insufficient to determine the role of this variant in disease. Therefore, it has been classified as a Variant of Uncertain Significance.